The following is an entry in ClinVar:

ClinVar aggregate classification (germline): Uncertain significance (1 of 4 stars; one submission).

Submission:

GeneDx
Classification: Uncertain significance. Last evaluated: 2025-03-24. Review status: criteria provided, single submitter. Criteria: GeneDx Variant Classification Process June 2021. Collection method: clinical testing. Allele origin: germline. Affected: yes.
Comment: Not observed at significant frequency in large population cohorts (gnomAD); In silico analysis supports that this missense variant has a deleterious effect on protein structure/function; Has not been previously published as pathogenic or benign to our knowledge

NM_181882.3(PRX):c.4259A>C (p.Lys1420Thr)

Gene: PRX (periaxin; minus strand). Cytogenetic location: 19q13.2.
Variant type: single nucleotide variant.
Coding change: c.4259A>C on transcript NM_181882.3 (MANE Select); coding-DNA position 4259, A replaced by C.
Protein change: p.Lys1420Thr; replaces lysine 1420 with threonine.
Molecular consequence: missense variant. On other transcripts: 3 prime UTR variant (1).
Genome position (GRCh38, 1-based): chr19:40,394,093, T>G on the plus strand (A>C on the coding strand, the complement: PRX is on the minus strand). VCF-style: chr19-40394093-T-G. GRCh37 (hg19) VCF-style: chr19-40900000-T-G.
Other names: c.4544A>C, p.Lys1515Thr (NM_001411127.1); c.*4464A>C (NM_020956.2); short protein forms K1515T, K1420T.
Identifiers: ClinVar variation 4088125 (VCV004088125.1).